The following is an entry in ClinVar:

ClinVar aggregate classification (germline): Uncertain significance (1 of 4 stars; one submission).

Conditions:
Charcot-Marie-Tooth disease type 2. Also called: Charcot-Marie-Tooth type 2. Identifiers: Orphanet 64746, MedGen C0270914, MONDO:0018993.

Submission:

Labcorp Genetics (formerly Invitae), Labcorp
Classification: Uncertain significance for Charcot-Marie-Tooth disease type 2. Last evaluated: 2024-07-16. Review status: criteria provided, single submitter. Criteria: Invitae Variant Classification Sherloc (09022015). Collection method: clinical testing. Allele origin: germline.
Comment: This sequence change replaces glutamic acid, which is acidic and polar, with aspartic acid, which is acidic and polar, at codon 112 of the LMNA protein (p.Glu112Asp). This variant is not present in population databases (gnomAD no frequency). This variant has not been reported in the literature in individuals affected with LMNA-related conditions. Advanced modeling of protein sequence and biophysical properties (such as structural, functional, and spatial information, amino acid conservation, physicochemical variation, residue mobility, and thermodynamic stability) performed at Invitae indicates that this missense variant is expected to disrupt LMNA protein function with a positive predictive value of 95%. In summary, the available evidence is currently insufficient to determine the role of this variant in disease. Therefore, it has been classified as a Variant of Uncertain Significance.

NM_170707.4(LMNA):c.336G>T (p.Glu112Asp)

Gene: LMNA (lamin A/C; plus strand). Cytogenetic location: 1q22.
Variant type: single nucleotide variant.
Coding change: c.336G>T on transcript NM_170707.4 (MANE Select); coding-DNA position 336, G replaced by T.
Protein change: p.Glu112Asp; replaces glutamic acid 112 with aspartic acid.
Molecular consequence: missense variant. On other transcripts: 5 prime UTR variant (8), intron variant (2).
Genome position (GRCh38, 1-based): chr1:156,115,254, G>T. VCF-style: chr1-156115254-G-T. GRCh37 (hg19) VCF-style: chr1-156085045-G-T.
Other names: c.336G>T, p.Glu112Asp (NM_001282625.2, NM_001282626.2, NM_001406983.1 and 6 more transcripts); c.-88G>T (NM_001406986.1); c.-66G>T (NM_001406990.1, NM_001406995.1, NM_001407002.1); c.-329G>T (NM_001406994.1, NM_001407000.1); c.-509G>T (NM_001406999.1); c.-172G>T (NM_001407001.1); c.-203+8431G>T (NM_001406993.1, NM_001407003.1); short protein forms E112D.
Identifiers: ClinVar variation 3633624 (VCV003633624.2).
Genomic context (GRCh38, chr1:156,115,254, plus strand): 5'-TGACTCAGTAGCCAAGGAGCGCGCCCGCCTGCAGCTGGAGCTGAGCAAAGTGCGTGAGGA[G>T]TTTAAGGAGCTGAAAGCGCGGTGAGTTCGCCCAGGTGGCTGCGTGCCTGGCGGGGAGTGG-3'
Protein context (NP_733821.1, residues 102-122): LQLELSKVRE[Glu112Asp]FKELKARNTK